The following is an entry in ClinVar:

ClinVar aggregate classification (germline): Benign/Likely benign. Review status: criteria provided, multiple submitters, no conflicts (2 of 4 stars). 9 submissions from 9 submitters: Benign (7); Likely benign (2). Last evaluated 2026-02-04.

Conditions:
MHC class II deficiency. Also called: Bare lymphocyte syndrome 2; BLS, TYPE II. Identifiers: Orphanet 572, MedGen C5447452, MONDO:0008855.

Allele frequency attached by ClinVar (database versions not stated): 1000 Genomes Project 30x 0.06137; 1000 Genomes Project 0.06350; TOPMed 0.10750; gnomAD 0.11206 and 0.11448; gnomAD exomes 0.11719 and 0.15573; ExAC 0.11875; ESP Exome Variant Server 0.11887.
gnomAD v4.1: 243,629 of 1,614,066 alleles (15%); highest among the groups gnomAD compares: Non-Finnish European, 18%; 20,506 homozygotes.

Submissions (9):

Labcorp Genetics (formerly Invitae), Labcorp
Classification: Benign for MHC class II deficiency. Last evaluated: 2026-02-04. Review status: criteria provided, single submitter. Criteria: Invitae Variant Classification Sherloc (09022015). Collection method: clinical testing. Allele origin: germline.

Women's Health and Genetics/Laboratory Corporation of America, LabCorp
Classification: Likely benign. Last evaluated: 2026-01-21. Review status: criteria provided, single submitter. Criteria: LabCorp Variant Classification Summary - May 2015. Collection method: clinical testing. Allele origin: germline.

Blueprint Genetics
Classification: Likely benign. Last evaluated: 2024-11-26. Review status: criteria provided, single submitter. Criteria: ACMG Guidelines, 2015. Collection method: clinical testing. Allele origin: germline.

Genome-Nilou Lab
Classification: Benign for MHC class II deficiency 1. Last evaluated: 2021-11-07. Review status: criteria provided, single submitter. Criteria: ACMG Guidelines, 2015. Collection method: clinical testing. Allele origin: germline. Affected: no.

GeneDx
Classification: Benign. Last evaluated: 2019-09-05. Review status: criteria provided, single submitter. Criteria: GeneDx Variant Classification Process June 2021. Collection method: clinical testing. Allele origin: germline. Affected: yes.

Mayo Clinic Laboratories, Mayo Clinic
Classification: Benign. Last evaluated: 2018-05-29. Review status: criteria provided, single submitter. Criteria: ACMG Guidelines, 2015. Collection method: clinical testing. Allele origin: germline. Observed: 20 variant alleles.

Illumina Laboratory Services, Illumina
Classification: Benign for MHC class II deficiency 1. Last evaluated: 2018-01-12. Review status: criteria provided, single submitter. Criteria: ICSL Variant Classification Criteria 13 December 2019. Collection method: clinical testing. Allele origin: germline.
Comment: This variant was observed in the ICSL laboratory as part of a predisposition screen in an ostensibly healthy population. It had not been previously curated by ICSL or reported in the Human Gene Mutation Database (HGMD: prior to June 1st, 2018), and was therefore a candidate for classification through an automated scoring system. Utilizing variant allele frequency, disease prevalence and penetrance estimates, and inheritance mode, an automated score was calculated to assess if this variant is too frequent to cause the disease. Based on the score and internal cut-off values, a variant classified as benign is not then subjected to further curation. The score for this variant resulted in a classification of benign for this disease.

Laboratory for Molecular Medicine, Mass General Brigham Personalized Medicine
Classification: Benign. Last evaluated: 2016-03-28. Review status: criteria provided, single submitter. Criteria: LMM Criteria. Collection method: clinical testing. Allele origin: germline.
Comment: Variant identified in a genome or exome case(s) and assessed due to predicted null impact of the variant or pathogenic assertions in the literature or databases. Disclaimer: This variant has not undergone full assessment. The following are preliminary notes: Frequency

Breakthrough Genomics
Classification: Benign. Review status: criteria provided, single submitter. Criteria: ACMG Guidelines, 2015. Collection method: not provided. Allele origin: germline. Inheritance: Autosomal recessive inheritance. Affected: yes.

NM_001025603.2(RFX5):c.1226C>G (p.Pro409Arg)

Gene: RFX5 (regulatory factor X5; minus strand). Cytogenetic location: 1q21.3.
Variant type: single nucleotide variant.
Coding change: c.1226C>G on transcript NM_001025603.2 (MANE Select); coding-DNA position 1226, C replaced by G.
Protein change: p.Pro409Arg; replaces proline 409 with arginine.
Molecular consequence: missense variant.
Genome position (GRCh38, 1-based): chr1:151,342,811, G>C on the plus strand (C>G on the coding strand, the complement: RFX5 is on the minus strand). VCF-style: chr1-151342811-G-C. GRCh37 (hg19) VCF-style: chr1-151315287-G-C.
Other names: c.1226C>G, p.Pro409Arg (NM_000449.4, NM_001379412.1, NM_001379413.1 and 5 more transcripts); c.1106C>G, p.Pro369Arg (NM_001379419.1, NM_001379420.1); short protein forms P409R, P369R.
Identifiers: ClinVar variation 292612 (VCV000292612.24), dbSNP rs2233854, ClinGen allele CA1089640.